The following is an entry in ClinVar:

ClinVar aggregate classification (germline): Uncertain significance (1 of 4 stars; one submission).

Submission:

GeneDx
Classification: Uncertain significance. Last evaluated: 2026-03-16. Review status: criteria provided, single submitter. Criteria: GeneDx Variant Classification Process June 2021. Collection method: clinical testing. Allele origin: germline.
Comment: Reported in a patient with lobar holoprosencephaly in the published literature who also harbors a 10p deletion that may have been contributing to the patient's phenotype (PMID: 19431187); Identified in a patient with holoprosencephaly, but it is unknown whether this individual was tested for variants in other genes associated with this phenotype (PMID: 19603532); Not observed at significant frequency in large population cohorts (gnomAD); In silico analysis supports that this missense variant has a deleterious effect on protein structure/function; This variant is associated with the following publications: (PMID: 19431187, 32939873, 20104616, 19603532)

NM_000193.4(SHH):c.305G>A (p.Cys102Tyr)

Gene: SHH (sonic hedgehog signaling molecule; minus strand). Cytogenetic location: 7q36.3.
Variant type: single nucleotide variant.
Coding change: c.305G>A on transcript NM_000193.4 (MANE Select); coding-DNA position 305, G replaced by A.
Protein change: p.Cys102Tyr; replaces cysteine 102 with tyrosine.
Molecular consequence: missense variant. On other transcripts: non-coding transcript variant (2).
Genome position (GRCh38, 1-based): chr7:155,806,553, C>T on the plus strand (G>A on the coding strand, the complement: SHH is on the minus strand). VCF-style: chr7-155806553-C-T. GRCh37 (hg19) VCF-style: chr7-155599247-C-T.
Other names: c.44G>A, p.Cys15Tyr (NM_001310462.2); short protein forms C102Y, C15Y.
Identifiers: ClinVar variation 4975065 (VCV004975065.1).